The following is an entry in ClinVar:

ClinVar aggregate classification (germline): Uncertain significance. Review status: criteria provided, multiple submitters, no conflicts (2 of 4 stars). 2 submissions from 2 submitters: Uncertain significance (2). Last evaluated 2026-05-01.

Conditions:
Hereditary cancer-predisposing syndrome. Also called: Hereditary Cancer Syndrome; Hereditary neoplastic syndrome; Neoplastic Syndromes, Hereditary; Tumor predisposition. Identifiers: Orphanet 140162, MedGen C0027672, MeSH D009386, MONDO:0015356.
Renal cell carcinoma. Identifiers: Orphanet 217071, MedGen C0007134, MeSH D002292, MONDO:0005086, HP:0005584.

Submissions (2):

Ambry Genetics
Classification: Uncertain significance for Hereditary cancer-predisposing syndrome. Last evaluated: 2026-05-01. Review status: criteria provided, single submitter. Criteria: Ambry Variant Classification Scheme 2023. Collection method: clinical testing. Allele origin: germline.
Comment: The p.D1048A variant (also known as c.3143A>C), located in coding exon 14 of the MET gene, results from an A to C substitution at nucleotide position 3143. The aspartic acid at codon 1048 is replaced by alanine, an amino acid with dissimilar properties. This amino acid position is conserved. In addition, this alteration is predicted to be deleterious by in silico analysis. Based on the available evidence, the clinical significance of this variant remains unclear.

Labcorp Genetics (formerly Invitae), Labcorp
Classification: Uncertain significance for Renal cell carcinoma. Last evaluated: 2024-11-03. Review status: criteria provided, single submitter. Criteria: Invitae Variant Classification Sherloc (09022015). Collection method: clinical testing. Allele origin: germline.
Comment: This sequence change replaces aspartic acid, which is acidic and polar, with alanine, which is neutral and non-polar, at codon 1048 of the MET protein (p.Asp1048Ala). This variant is not present in population databases (gnomAD no frequency). This variant has not been reported in the literature in individuals affected with MET-related conditions. An algorithm developed to predict the effect of missense changes on protein structure and function (PolyPhen-2) suggests that this variant is likely to be disruptive. In summary, the available evidence is currently insufficient to determine the role of this variant in disease. Therefore, it has been classified as a Variant of Uncertain Significance.

NM_000245.4(MET):c.3089A>C (p.Asp1030Ala)

Gene: MET (MET proto-oncogene, receptor tyrosine kinase; plus strand). Cytogenetic location: 7q31.2.
Variant type: single nucleotide variant.
Coding change: c.3089A>C on transcript NM_000245.4 (MANE Select); coding-DNA position 3089, A replaced by C.
Protein change: p.Asp1030Ala; replaces aspartic acid 1030 with alanine.
Molecular consequence: missense variant.
Genome position (GRCh38, 1-based): chr7:116,774,941, A>C. VCF-style: chr7-116774941-A-C. GRCh37 (hg19) VCF-style: chr7-116414995-A-C.
Other names: c.3143A>C, p.Asp1048Ala (NM_001127500.3); c.1799A>C, p.Asp600Ala (NM_001324402.2); short protein forms D1030A, D600A, D1048A.
Identifiers: ClinVar variation 3724474 (VCV003724474.3).
Genomic context (GRCh38, chr7:116,774,941, plus strand): 5'-ATCAGTTTCCTAATTCATCTCAGAACGGTTCATGCCGACAAGTGCAGTATCCTCTGACAG[A>C]CATGTCCCCCATCCTAACTAGTGGGGACTCTGATATATCCAGTCCATTACTGCAAAATAC-3'
Protein context (NP_000236.2, residues 1020-1040): SCRQVQYPLT[Asp1030Ala]MSPILTSGDS